The following is an entry in ClinVar:

ClinVar aggregate classification (germline): Likely benign. Review status: criteria provided, multiple submitters, no conflicts (2 of 4 stars). 3 submissions from 3 submitters: Likely benign (3). Last evaluated 2025-12-29.

Conditions:
DICER1-related tumor predisposition. Also called: DICER1-related pleuropulmonary blastoma cancer predisposition syndrome; DICER1 syndrome. Identifiers: Orphanet 284343, MedGen C3839822, MONDO:0100216.
Hereditary cancer-predisposing syndrome. Also called: Neoplastic Syndromes, Hereditary; Tumor predisposition; Hereditary Cancer Syndrome; Hereditary neoplastic syndrome. Identifiers: Orphanet 140162, MedGen C0027672, MeSH D009386, MONDO:0015356.

Allele frequency attached by ClinVar (database versions not stated): gnomAD exomes below 0.00001; TOPMed below 0.00001.
gnomAD v4.1: 1 of 1,614,144 alleles (0.000062%); highest among the groups gnomAD compares: Non-Finnish European, 0.000085%; no homozygotes.

Submissions (3):

Center for Genomic Medicine, Rigshospitalet, Copenhagen University Hospital
Classification: Likely benign. Last evaluated: 2025-12-29. Review status: criteria provided, single submitter. Criteria: ACMG Guidelines, 2015. Collection method: clinical testing. Allele origin: germline.
Comment: Classification criteria: BP4, BP7

Labcorp Genetics (formerly Invitae), Labcorp
Classification: Likely benign for DICER1-related tumor predisposition. Last evaluated: 2023-11-30. Review status: criteria provided, single submitter. Criteria: Invitae Variant Classification Sherloc (09022015). Collection method: clinical testing. Allele origin: germline.

Ambry Genetics
Classification: Likely benign for Hereditary cancer-predisposing syndrome. Last evaluated: 2019-11-08. Review status: criteria provided, single submitter. Criteria: Ambry Variant Classification Scheme 2023. Collection method: clinical testing. Allele origin: germline.

NM_177438.3(DICER1):c.84T>C (p.Phe28=)

Gene: DICER1 (dicer 1, ribonuclease III; minus strand). Cytogenetic location: 14q32.13.
Variant type: single nucleotide variant.
Coding change: c.84T>C on transcript NM_177438.3 (MANE Select); coding-DNA position 84, T replaced by C.
Protein change: p.Phe28=; no amino-acid change (phenylalanine 28 retained).
Molecular consequence: synonymous variant.
Genome position (GRCh38, 1-based): chr14:95,133,375, A>G on the plus strand (T>C on the coding strand, the complement: DICER1 is on the minus strand). VCF-style: chr14-95133375-A-G. GRCh37 (hg19) VCF-style: chr14-95599712-A-G.
Other names: c.84T>C, p.Phe28= (NM_001195573.1, NM_001271282.3, NM_001291628.2 and 1 more transcripts).
Identifiers: ClinVar variation 543657 (VCV000543657.16), dbSNP rs1184817036, ClinGen allele CA487634191.